The following is an entry in ClinVar:

NM_012471.3(TRPC5):c.1605G>T (p.Leu535=)

Gene: TRPC5 (transient receptor potential cation channel subfamily C member 5; minus strand). Cytogenetic location: Xq23.
Variant type: single nucleotide variant.
Coding change: c.1605G>T on transcript NM_012471.3 (MANE Select); coding-DNA position 1605, G replaced by T.
Protein change: p.Leu535=; no amino-acid change (leucine 535 retained).
Molecular consequence: synonymous variant.
Genome position (GRCh38, 1-based): chrX:111,847,209, C>A on the plus strand (G>T on the coding strand, the complement: TRPC5 is on the minus strand). VCF-style: chrX-111847209-C-A. GRCh37 (hg19) VCF-style: chrX-111090437-C-A.
Identifiers: ClinVar variation 3029251 (VCV003029251.2), dbSNP rs3027723, ClinGen allele CA334454004.

ClinVar aggregate classification (germline): Likely benign (0 of 4 stars; one submission).

Conditions:
TRPC5-related disorder. Also called: TRPC5-related condition.

Allele frequency attached by ClinVar (database versions not stated): gnomAD exomes 0.00001; TOPMed 0.00002.
gnomAD v4.1: 3 of 1,211,673 alleles (0.00025%); highest among the groups gnomAD compares: Admixed American, 0.0043%; no homozygotes.

Submission:

PreventionGenetics, part of Exact Sciences
Classification: Likely benign for TRPC5-related condition. Last evaluated: 2021-11-04. Review status: no assertion criteria provided. Collection method: clinical testing. Allele origin: germline.
Comment: This variant is classified as likely benign based on ACMG/AMP sequence variant interpretation guidelines (Richards et al. 2015 PMID: 25741868, with internal and published modifications).